The following is an entry in ClinVar:

ClinVar aggregate classification (germline): Uncertain significance. Review status: criteria provided, multiple submitters, no conflicts (2 of 4 stars). 5 submissions from 5 submitters: Uncertain significance (5). Last evaluated 2025-06-15.

Conditions:
Catecholaminergic polymorphic ventricular tachycardia 5 (CARDAR). Also called: Ventricular tachycardia, catecholaminergic polymorphic, 5, with or without muscle weakness; CARDIAC ARRHYTHMIA SYNDROME, WITH OR WITHOUT SKELETAL MUSCLE WEAKNESS. Identifiers: Orphanet 3286, MedGen C3809536, MONDO:0014191, OMIM 615441.
Cardiovascular phenotype. Identifiers: MedGen CN230736.
Catecholaminergic polymorphic ventricular tachycardia 1. Also called: RYR2-Related Catecholaminergic Polymorphic Ventricular Tachycardia; VENTRICULAR TACHYCARDIA, CATECHOLAMINERGIC POLYMORPHIC, 1, WITH OR WITHOUT ATRIAL DYSFUNCTION AND/OR DILATED CARDIOMYOPATHY; VENTRICULAR TACHYCARDIA, STRESS-INDUCED POLYMORPHIC 1. Identifiers: Orphanet 3286, MedGen C1631597, MONDO:0011484, OMIM 604772.

Allele frequency attached by ClinVar (database versions not stated): gnomAD 0.00004; TOPMed 0.00005; gnomAD exomes 0.00007; ExAC 0.00013; 1000 Genomes Project 30x 0.00016.
gnomAD v4.1: 26 of 1,506,500 alleles (0.0017%); highest among the groups gnomAD compares: East Asian, 0.058%; no homozygotes.

Submissions (5):

Ambry Genetics
Classification: Uncertain significance for Cardiovascular phenotype. Last evaluated: 2025-06-15. Review status: criteria provided, single submitter. Criteria: Ambry Variant Classification Scheme 2023. Collection method: clinical testing. Allele origin: germline.
Comment: The p.K192T variant (also known as c.575A>C), located in coding exon 7 of the TRDN gene, results from an A to C substitution at nucleotide position 575. The lysine at codon 192 is replaced by threonine, an amino acid with similar properties. This amino acid position is conserved. In addition, this alteration is predicted to be tolerated by in silico analysis. Based on the available evidence, the clinical significance of this variant remains unclear.

GeneDx
Classification: Uncertain significance. Last evaluated: 2024-05-08. Review status: criteria provided, single submitter. Criteria: GeneDx Variant Classification Process June 2021. Collection method: clinical testing. Allele origin: germline. Affected: yes.
Comment: In silico analysis supports that this missense variant has a deleterious effect on protein structure/function; Has not been previously published as pathogenic or benign to our knowledge

Labcorp Genetics (formerly Invitae), Labcorp
Classification: Uncertain significance for Catecholaminergic polymorphic ventricular tachycardia 1. Last evaluated: 2022-07-17. Review status: criteria provided, single submitter. Criteria: Invitae Variant Classification Sherloc (09022015). Collection method: clinical testing. Allele origin: germline.
Comment: This sequence change replaces lysine, which is basic and polar, with threonine, which is neutral and polar, at codon 192 of the TRDN protein (p.Lys192Thr). This variant is present in population databases (rs777796676, gnomAD 0.1%). This variant has not been reported in the literature in individuals affected with TRDN-related conditions. ClinVar contains an entry for this variant (Variation ID: 573040). Algorithms developed to predict the effect of missense changes on protein structure and function are either unavailable or do not agree on the potential impact of this missense change (SIFT: "Deleterious"; PolyPhen-2: "Not Available"; Align-GVGD: "Class C0"). In summary, the available evidence is currently insufficient to determine the role of this variant in disease. Therefore, it has been classified as a Variant of Uncertain Significance.

Fulgent Genetics
Classification: Uncertain significance for Catecholaminergic polymorphic ventricular tachycardia 1; Catecholaminergic polymorphic ventricular tachycardia 5. Last evaluated: 2021-08-20. Review status: criteria provided, single submitter. Criteria: ACMG Guidelines, 2015. Collection method: clinical testing. Allele origin: unknown.

Center for Genomics, Ann and Robert H. Lurie Children's Hospital of Chicago
Classification: Uncertain significance for Catecholaminergic polymorphic ventricular tachycardia 5. Last evaluated: 2021-03-30. Review status: criteria provided, single submitter. Criteria: ACMG Guidelines, 2015. Collection method: clinical testing. Allele origin: germline.
Comment: TRDN NM_006073.3 exon 7 p.Lys192Thr (c.575A>C): This variant has not been reported in the literature but is present in 0.1% (16/16004) of East Asian alleles in the Genome Aggregation Database. This variant is present in ClinVar (Variation ID:573040). Evolutionary conservation and computational predictive tools suggest that this variant may impact the protein. In summary, data on this variant is insufficient for disease classification. Therefore, the clinical significance of this variant is uncertain.

NM_006073.4(TRDN):c.575A>C (p.Lys192Thr)

Gene: TRDN (triadin; minus strand). Cytogenetic location: 6q22.31.
Variant type: single nucleotide variant.
Coding change: c.575A>C on transcript NM_006073.4 (MANE Select); coding-DNA position 575, A replaced by C.
Protein change: p.Lys192Thr; replaces lysine 192 with threonine.
Molecular consequence: missense variant.
Genome position (GRCh38, 1-based): chr6:123,512,338, T>G on the plus strand (A>C on the coding strand, the complement: TRDN is on the minus strand). VCF-style: chr6-123512338-T-G. GRCh37 (hg19) VCF-style: chr6-123833483-T-G.
Other names: c.575A>C (NM_006073.2); c.575A>C, p.Lys192Thr (NM_001251987.2, NM_001256020.2, NM_001256021.2); short protein forms K192T.
Identifiers: ClinVar variation 573040 (VCV000573040.47), dbSNP rs777796676, ClinGen allele CA3984340.
Genomic context (GRCh38, chr6:123,512,338, plus strand): 5'-TGGAAATAATAAATTGAAAAGTTACCTTTCGCCAGTGTCTTTGTTTCTGGTTTTTCTTTT[T>G]TCTCAATTTTTTCCTTGTGAGTTGCTTAAACAGAAAATTTTACATTAGTACACATTTTTA-3'
Protein context (NP_006064.2, residues 182-202): KKATHKEKIE[Lys192Thr]KEKPETKTLA